The following is an entry in ClinVar:

NM_004385.5(VCAN):c.2089G>A (p.Asp697Asn)

Gene: VCAN (versican; plus strand). Cytogenetic location: 5q14.3.
Variant type: single nucleotide variant.
Coding change: c.2089G>A on transcript NM_004385.5 (MANE Select); coding-DNA position 2089, G replaced by A.
Protein change: p.Asp697Asn; replaces aspartic acid 697 with asparagine.
Molecular consequence: missense variant. On other transcripts: intron variant (2).
Genome position (GRCh38, 1-based): chr5:83,520,395, G>A. VCF-style: chr5-83520395-G-A. GRCh37 (hg19) VCF-style: chr5-82816214-G-A.
Other names: c.2089G>A, p.Asp697Asn (NM_001164098.2); c.1042+7999G>A (NM_001164097.2, NM_001126336.3); short protein forms D697N.
Identifiers: ClinVar variation 2655576 (VCV002655576.24), dbSNP rs2479050763, ClinGen allele CA360302990.

ClinVar aggregate classification (germline): Uncertain significance (1 of 4 stars; one submission).

Submission:

CeGaT Center for Human Genetics Tuebingen
Classification: Uncertain significance. Last evaluated: 2022-11-01. Review status: criteria provided, single submitter. Criteria: CeGaT Center For Human Genetics Tuebingen Variant Classification Criteria Version 2. Collection method: clinical testing. Allele origin: germline. Affected: yes. Observed: 1 variant allele.
Comment: VCAN: PM2, BP4